The following is an entry in ClinVar:

NM_002637.4(PHKA1):c.1082A>G (p.Lys361Arg)

Gene: PHKA1 (phosphorylase kinase regulatory subunit alpha 1; minus strand). Cytogenetic location: Xq13.1.
Variant type: single nucleotide variant.
Coding change: c.1082A>G on transcript NM_002637.4 (MANE Select); coding-DNA position 1082, A replaced by G.
Protein change: p.Lys361Arg; replaces lysine 361 with arginine.
Molecular consequence: missense variant.
Genome position (GRCh38, 1-based): chrX:72,653,490, T>C on the plus strand (A>G on the coding strand, the complement: PHKA1 is on the minus strand). VCF-style: chrX-72653490-T-C. GRCh37 (hg19) VCF-style: chrX-71873340-T-C.
Other names: p.Lys361Arg; c.1082A>G, p.Lys361Arg (NM_001122670.2, NM_001172436.2); short protein forms K361R.
Identifiers: ClinVar variation 1192046 (VCV001192046.8), dbSNP rs2147761614, ClinGen allele CA413593380.

ClinVar aggregate classification (germline): Uncertain significance. Review status: criteria provided, multiple submitters, no conflicts (2 of 4 stars). 3 submissions from 3 submitters: Uncertain significance (3). Last evaluated 2025-07-15.

Conditions:
Glycogen storage disease IXd (GSD9D). Also called: GSD IXd; Muscle Phosphorylase Kinase Deficiency. Identifiers: Orphanet 715, MedGen C1845151, MONDO:0010362, OMIM 300559.

Submissions (3):

Mayo Clinic Laboratories, Mayo Clinic
Classification: Uncertain significance. Last evaluated: 2025-07-15. Review status: criteria provided, single submitter. Criteria: ACMG Guidelines, 2015. Collection method: clinical testing. Allele origin: germline. Observed: 1 variant allele.

Labcorp Genetics (formerly Invitae), Labcorp
Classification: Uncertain significance for Glycogen storage disease IXd. Last evaluated: 2024-03-26. Review status: criteria provided, single submitter. Criteria: Invitae Variant Classification Sherloc (09022015). Collection method: clinical testing. Allele origin: germline.
Comment: This sequence change replaces lysine, which is basic and polar, with arginine, which is basic and polar, at codon 361 of the PHKA1 protein (p.Lys361Arg). This variant is not present in population databases (gnomAD no frequency). This variant has not been reported in the literature in individuals affected with PHKA1-related conditions. ClinVar contains an entry for this variant (Variation ID: 1192046). An algorithm developed to predict the effect of missense changes on protein structure and function (PolyPhen-2) suggests that this variant is likely to be tolerated. In summary, the available evidence is currently insufficient to determine the role of this variant in disease. Therefore, it has been classified as a Variant of Uncertain Significance.

GeneDx
Classification: Uncertain significance. Last evaluated: 2019-12-06. Review status: criteria provided, single submitter. Criteria: GeneDx Variant Classification Process June 2021. Collection method: clinical testing. Allele origin: germline. Affected: yes.
Comment: Not observed in large population cohorts (Lek et al., 2016); In silico analysis, which includes protein predictors and evolutionary conservation, supports that this variant does not alter protein structure/function; Has not been previously published as pathogenic or benign to our knowledge